The following is an entry in ClinVar:

ClinVar aggregate classification (germline): Uncertain significance (1 of 4 stars; one submission).

Submission:

GeneDx
Classification: Uncertain significance. Last evaluated: 2024-05-24. Review status: criteria provided, single submitter. Criteria: GeneDx Variant Classification Process June 2021. Collection method: clinical testing. Allele origin: germline. Affected: yes.
Comment: Not observed at significant frequency in large population cohorts (gnomAD); In silico analysis supports that this missense variant has a deleterious effect on protein structure/function; Has not been previously published as pathogenic or benign to our knowledge

NM_000352.6(ABCC8):c.1324C>A (p.Pro442Thr)

Gene: ABCC8 (ATP binding cassette subfamily C member 8; minus strand). Cytogenetic location: 11p15.1.
Variant type: single nucleotide variant.
Coding change: c.1324C>A on transcript NM_000352.6 (MANE Select); coding-DNA position 1324, C replaced by A.
Protein change: p.Pro442Thr; replaces proline 442 with threonine.
Molecular consequence: missense variant. On other transcripts: non-coding transcript variant (1).
Genome position (GRCh38, 1-based): chr11:17,448,524, G>T on the plus strand (C>A on the coding strand, the complement: ABCC8 is on the minus strand). VCF-style: chr11-17448524-G-T. GRCh37 (hg19) VCF-style: chr11-17470071-G-T.
Other names: c.1324C>A, p.Pro442Thr (NM_001287174.3, NM_001351295.2); c.1321C>A, p.Pro441Thr (NM_001351296.2, NM_001351297.2); short protein forms P441T, P442T.
Identifiers: ClinVar variation 3381280 (VCV003381280.1).